The following is an entry in ClinVar:

NM_001170629.2(CHD8):c.3440_3441delinsG (p.Ala1147fs)

Gene: CHD8 (chromodomain helicase DNA binding protein 8; minus strand). Cytogenetic location: 14q11.2.
Variant type: Indel.
Coding change: c.3440_3441delinsG on transcript NM_001170629.2 (MANE Select); coding-DNA positions 3440 to 3441, CT replaced by G.
Protein change: p.Ala1147fs; shifts the reading frame from alanine 1147.
Molecular consequence: frameshift variant.
Genome position (GRCh38, 1-based): chr14:21,403,530-21,403,531, AG replaced by C on the plus strand (CT replaced by G on the coding strand, the reverse complement: CHD8 is on the minus strand). VCF-style: chr14-21403530-AG-C. GRCh37 (hg19) VCF-style: chr14-21871689-AG-C.
Other names: c.2603_2604delinsG, p.Ala868fs (NM_020920.4); short protein forms A1147fs, A868fs.
Identifiers: ClinVar variation 4085994 (VCV004085994.8).

ClinVar aggregate classification (germline): Pathogenic (1 of 4 stars; one submission).

Submission:

CeGaT Center for Human Genetics Tuebingen
Classification: Pathogenic. Last evaluated: 2025-07-01. Review status: criteria provided, single submitter. Criteria: CeGaT Center For Human Genetics Tuebingen Variant Classification Criteria Version 2. Collection method: clinical testing. Allele origin: germline. Affected: yes. Observed: 1 variant allele.
Comment: CHD8: PVS1, PM2